The following is an entry in ClinVar:

ClinVar aggregate classification (germline): Uncertain significance (1 of 4 stars; one submission).

Allele frequency attached by ClinVar (database versions not stated): gnomAD exomes below 0.00001; TOPMed 0.00001.
gnomAD v4.1: 1 of 1,613,988 alleles (0.000062%); highest among the groups gnomAD compares: Non-Finnish European, 0.000085%; no homozygotes.

Submission:

Ambry Genetics
Classification: Uncertain significance. Last evaluated: 2022-10-02. Review status: criteria provided, single submitter. Criteria: Ambry Variant Classification Scheme 2023. Collection method: clinical testing. Allele origin: germline.
Comment: The p.T267A variant (also known as c.799A>G), located in coding exon 6 of the POLQ gene, results from an A to G substitution at nucleotide position 799. The threonine at codon 267 is replaced by alanine, an amino acid with similar properties. This amino acid position is conserved. In addition, this alteration is predicted to be deleterious by in silico analysis. Since supporting evidence is limited at this time, the clinical significance of this alteration remains unclear.

NM_199420.4(POLQ):c.799A>G (p.Thr267Ala)

Gene: POLQ (DNA polymerase theta; minus strand). Cytogenetic location: 3q13.33.
Variant type: single nucleotide variant.
Coding change: c.799A>G on transcript NM_199420.4 (MANE Select); coding-DNA position 799, A replaced by G.
Protein change: p.Thr267Ala; replaces threonine 267 with alanine.
Molecular consequence: missense variant.
Genome position (GRCh38, 1-based): chr3:121,533,151, T>C on the plus strand (A>G on the coding strand, the complement: POLQ is on the minus strand). VCF-style: chr3-121533151-T-C. GRCh37 (hg19) VCF-style: chr3-121251998-T-C.
Other names: short protein forms T267A.
Identifiers: ClinVar variation 1761537 (VCV001761537.2), dbSNP rs967113940, ClinGen allele CA81861195.
Genomic context (GRCh38, chr3:121,533,151, plus strand): 5'-AGTCGGTATGGTAGAGTTCAGCATTCAACCAGGAAGCCACAAGCTCCAAATTAGGAAGGG[T>C]AGCACTCATGCCAACGATTTGCACAGCATTAGACAGAGAACTGGCTAGATCTGCCTGACT-3'
Protein context (NP_955452.3, residues 257-277): NAVQIVGMSA[Thr267Ala]LPNLELVASW